The following is an entry in ClinVar:

ClinVar aggregate classification (germline): Uncertain significance. Review status: criteria provided, single submitter (1 of 4 stars). 2 submissions from 2 submitters: Uncertain significance (1). 1 of the submissions does not count toward it. Last evaluated 2021-01-29.

Conditions:
L1CAM-related disorder. Also called: L1CAM-related condition.

Submissions (2):

Women's Health and Genetics/Laboratory Corporation of America, LabCorp
Classification: Uncertain significance. Last evaluated: 2021-01-29. Review status: criteria provided, single submitter. Criteria: LabCorp Variant Classification Summary - May 2015. Collection method: clinical testing. Allele origin: germline.
Comment: Variant summary: L1CAM c.198-9C>A alters a non-conserved nucleotide located close to a canonical splice site and therefore could affect mRNA splicing, leading to a significantly altered protein sequence. Several computational tools predict a significant impact on normal splicing: two predict the variant abolishes a 3' acceptor site and one predicts the variant weakens a 3' acceptor site, while all four of them predict the variant creates a new cryptic intronic 3' acceptor site. However, these predictions have yet to be confirmed by functional studies. The variant was absent in 180711 control chromosomes (gnomAD). The available data on variant occurrences in the general population are insufficient to allow any conclusion about variant significance. To our knowledge, no occurrence of c.198-9C>A in individuals affected with L1 Syndrome and no experimental evidence demonstrating its impact on protein function have been reported. No clinical diagnostic laboratories have submitted clinical-significance assessments for this variant to ClinVar after 2014. Based on the evidence outlined above, the variant was classified as uncertain significance.

PreventionGenetics, part of Exact Sciences
Classification: Uncertain significance for L1CAM-related condition. Last evaluated: 2024-06-17. Review status: no assertion criteria provided. Collection method: clinical testing. Allele origin: germline. Not counted in ClinVar's aggregate classification.
Comment: The L1CAM c.198-9C>A variant is predicted to interfere with splicing. This variant is predicted to impact splicing, based on available splicing prediction software (SpliceAI, Jaganathan et al. 2019. PubMed ID: 30661751). However, prediction programs are imperfect, and we cannot be certain of the biological impact of this particular variant. To our knowledge, this variant has not been reported in the literature or in a large population database, indicating this variant is rare. Although we suspect this variant may be pathogenic, at this time, the clinical significance of this variant is uncertain due to the absence of conclusive functional and genetic evidence.

NM_001278116.2(L1CAM):c.198-9C>A

Gene: L1CAM (L1 cell adhesion molecule; minus strand). Cytogenetic location: Xq28.
Variant type: single nucleotide variant.
Coding change: c.198-9C>A on transcript NM_001278116.2 (MANE Select); 9 bases into the intron before coding-DNA position 198, C replaced by A.
Molecular consequence: intron variant.
Genome position (GRCh38, 1-based): chrX:153,872,363, G>T on the plus strand (C>A on the coding strand, the complement: L1CAM is on the minus strand). VCF-style: chrX-153872363-G-T. GRCh37 (hg19) VCF-style: chrX-153137818-G-T.
Other names: c.183-9C>A (NM_001143963.2); c.198-9C>A (NM_024003.3, NM_000425.5).
Identifiers: ClinVar variation 996248 (VCV000996248.3), dbSNP rs782753470, ClinGen allele CA2466507905.